The following is an entry in ClinVar:

ClinVar aggregate classification (germline): Pathogenic (1 of 4 stars; one submission).

Conditions:
Ehlers-Danlos syndrome, dermatosparaxis type. Also called: EDS VIIC; Dermatosparaxis; Ehlers-Danlos syndrome, type VII, autosomal recessive. Identifiers: Orphanet 1901, MedGen C2700425, MONDO:0009161, OMIM 225410.

Submission:

Myriad Genetics, Inc.
Classification: Pathogenic for Ehlers-Danlos syndrome, dermatosparaxis type. Last evaluated: 2024-05-14. Review status: criteria provided, single submitter. Criteria: Myriad Autosomal Dominant, Autosomal Recessive and X-Linked Classification Criteria (2023). Collection method: clinical testing. Allele origin: unknown.
Comment: NM_014244.4(ADAMTS2):c.187_188ins8(R63Lfs*105) is expected to be pathogenic in the context of Ehlers-Danlos syndrome, ADAMTS2-related. This variant is predicted to lead to an abnormal or absent protein product due to the creation of a premature termination codon in ADAMTS2, a gene where loss-of-function variants are known to be pathogenic. Please note: this variant was assessed in the context of healthy population screening.

NM_014244.5(ADAMTS2):c.187_188insTGCTGAGC (p.Arg63fs)

Gene: ADAMTS2 (ADAM metallopeptidase with thrombospondin type 1 motif 2; minus strand). Cytogenetic location: 5q35.3.
Variant type: Insertion.
Coding change: c.187_188insTGCTGAGC on transcript NM_014244.5 (MANE Select); coding-DNA positions 187 to 188, TGCTGAGC inserted.
Protein change: p.Arg63fs; shifts the reading frame from arginine 63.
Molecular consequence: frameshift variant.
Genome position: GRCh38 VCF-style: chr5-179344113-C-CGCTCAGCA. GRCh37 (hg19) VCF-style: chr5-178771114-C-CGCTCAGCA.
Other names: c.187_188insTGCTGAGC, p.Arg63fs (NM_021599.4); short protein forms R63fs.
Identifiers: ClinVar variation 5016411 (VCV005016411.1).